The following is an entry in ClinVar:

NM_001001557.4(GDF6):c.1094A>C (p.Glu365Ala)

Gene: GDF6 (growth differentiation factor 6; minus strand). Cytogenetic location: 8q22.1.
Variant type: single nucleotide variant.
Coding change: c.1094A>C on transcript NM_001001557.4 (MANE Select); coding-DNA position 1094, A replaced by C.
Protein change: p.Glu365Ala; replaces glutamic acid 365 with alanine.
Molecular consequence: missense variant.
Genome position (GRCh38, 1-based): chr8:96,144,837, T>G on the plus strand (A>C on the coding strand, the complement: GDF6 is on the minus strand). VCF-style: chr8-96144837-T-G. GRCh37 (hg19) VCF-style: chr8-97157065-T-G.
Other names: short protein forms E365A.
Identifiers: ClinVar variation 2076753 (VCV002076753.4), dbSNP rs993039272, ClinGen allele CA181485022.

ClinVar aggregate classification (germline): Uncertain significance (1 of 4 stars; one submission).

Conditions:
Klippel-Feil syndrome 1, autosomal dominant (KFS1). Also called: CERVICAL VERTEBRAL FUSION, AUTOSOMAL DOMINANT. Identifiers: Orphanet 2345, MedGen C1861689, MONDO:0007306, OMIM 118100.
Leber congenital amaurosis 17 (LCA17). Identifiers: Orphanet 65, MedGen C3715164, MONDO:0014145, OMIM 615360.
Isolated microphthalmia 4. Identifiers: Orphanet 2542, MedGen C2751307, MONDO:0013130, OMIM 613094.
Microphthalmia, isolated, with coloboma 6 (MCOPCB6). Also called: Microphthalmia with coloboma 6, digenic; Microphthalmia with coloboma 6; MICROPHTHALMIA/COLOBOMA 6. Identifiers: Orphanet 98938, MedGen C3150968, MONDO:0013376, OMIM 613703.

Allele frequency attached by ClinVar (database versions not stated): gnomAD 0.00001.
gnomAD v4.1: 3 of 1,613,904 alleles (0.00019%); highest among the groups gnomAD compares: Admixed American, 0.0017%; no homozygotes.

Submission:

Labcorp Genetics (formerly Invitae), Labcorp
Classification: Uncertain significance for Isolated microphthalmia 4; Leber congenital amaurosis 17; Klippel-Feil syndrome 1, autosomal dominant; Microphthalmia, isolated, with coloboma 6. Last evaluated: 2025-06-12. Review status: criteria provided, single submitter. Criteria: Invitae Variant Classification Sherloc (09022015). Collection method: clinical testing. Allele origin: germline.
Comment: This sequence change replaces glutamic acid, which is acidic and polar, with alanine, which is neutral and non-polar, at codon 365 of the GDF6 protein (p.Glu365Ala). This variant is present in population databases (no rsID available, gnomAD no frequency). This variant has not been reported in the literature in individuals affected with GDF6-related conditions. ClinVar contains an entry for this variant (Variation ID: 2076753). Invitae Evidence Modeling of protein sequence and biophysical properties (such as structural, functional, and spatial information, amino acid conservation, physicochemical variation, residue mobility, and thermodynamic stability) indicates that this missense variant is not expected to disrupt GDF6 protein function with a negative predictive value of 80%. In summary, the available evidence is currently insufficient to determine the role of this variant in disease. Therefore, it has been classified as a Variant of Uncertain Significance.